The following is an entry in ClinVar:

ClinVar aggregate classification (germline): Uncertain significance (1 of 4 stars; one submission).

Conditions:
Familial thoracic aortic aneurysm and aortic dissection (TAAD). Also called: Thoracic aortic aneurysms and dissections. Identifiers: Orphanet 91387, MedGen C4707243, MONDO:0019625.
Marfan syndrome (MFS). Also called: MARFAN SYNDROME, TYPE I; Marfan syndrome type 1; Marfan's syndrome; Marfan syndrome, classic; FBN1-Related Marfan Syndrome. Identifiers: Orphanet 284963, Orphanet 558, MedGen C0024796, MONDO:0007947, OMIM 154700.

Submission:

Labcorp Genetics (formerly Invitae), Labcorp
Classification: Uncertain significance for Marfan syndrome; Familial thoracic aortic aneurysm and aortic dissection. Last evaluated: 2022-10-03. Review status: criteria provided, single submitter. Criteria: Invitae Variant Classification Sherloc (09022015). Collection method: clinical testing. Allele origin: germline.
Comment: In summary, the available evidence is currently insufficient to determine the role of this variant in disease. Therefore, it has been classified as a Variant of Uncertain Significance. Advanced modeling of protein sequence and biophysical properties (such as structural, functional, and spatial information, amino acid conservation, physicochemical variation, residue mobility, and thermodynamic stability) performed at Invitae indicates that this missense variant is not expected to disrupt FBN1 protein function. This variant has not been reported in the literature in individuals affected with FBN1-related conditions. This variant is not present in population databases (gnomAD no frequency). This sequence change replaces isoleucine, which is neutral and non-polar, with leucine, which is neutral and non-polar, at codon 749 of the FBN1 protein (p.Ile749Leu).

NM_000138.5(FBN1):c.2245A>C (p.Ile749Leu)

Gene: FBN1 (fibrillin 1; minus strand). Cytogenetic location: 15q21.1.
Variant type: single nucleotide variant.
Coding change: c.2245A>C on transcript NM_000138.5 (MANE Select); coding-DNA position 2245, A replaced by C.
Protein change: p.Ile749Leu; replaces isoleucine 749 with leucine.
Molecular consequence: missense variant.
Genome position (GRCh38, 1-based): chr15:48,497,314, T>G on the plus strand (A>C on the coding strand, the complement: FBN1 is on the minus strand). VCF-style: chr15-48497314-T-G. GRCh37 (hg19) VCF-style: chr15-48789511-T-G.
Other names: c.2245A>C, p.Ile749Leu (NM_001406716.1); short protein forms I749L.
Identifiers: ClinVar variation 2079175 (VCV002079175.4), dbSNP rs1555399370, ClinGen allele CA392335686.